The following is an entry in ClinVar:

NM_023110.3(FGFR1):c.1883A>G (p.Asn628Ser)

Gene: FGFR1 (fibroblast growth factor receptor 1; minus strand). Cytogenetic location: 8p11.23.
Variant type: single nucleotide variant.
Coding change: c.1883A>G on transcript NM_023110.3 (MANE Select); coding-DNA position 1883, A replaced by G.
Protein change: p.Asn628Ser; replaces asparagine 628 with serine.
Molecular consequence: missense variant.
Genome position (GRCh38, 1-based): chr8:38,414,873, T>C on the plus strand (A>G on the coding strand, the complement: FGFR1 is on the minus strand). VCF-style: chr8-38414873-T-C. GRCh37 (hg19) VCF-style: chr8-38272391-T-C.
Other names: c.1883A>G, p.Asn628Ser (NM_000604.2); c.1877A>G, p.Asn626Ser (NM_001174063.2, NM_001174065.2, NM_001354367.2 and 1 more transcripts); c.1853A>G, p.Asn618Ser (NM_001174064.2); c.1616A>G, p.Asn539Ser (NM_001174066.2, NM_023105.3); c.1976A>G, p.Asn659Ser (NM_001174067.2); c.1604A>G, p.Asn535Ser (NM_001354368.2); c.1871A>G, p.Asn624Ser (NM_001354369.2, NM_001410922.1); c.1610A>G, p.Asn537Ser (NM_001354370.2, NM_023106.3); short protein forms N539S, N628S, N626S, N535S, N537S, N618S, N624S, N659S.
Identifiers: ClinVar variation 2136660 (VCV002136660.4), dbSNP rs2536819756, ClinGen allele CA370730506.

ClinVar aggregate classification (germline): Pathogenic (1 of 4 stars; one submission).

Conditions:
Hypogonadotropic hypogonadism 2 with or without anosmia (HH2). Also called: HYPOGONADOTROPIC HYPOGONADISM 2 WITH OR WITHOUT ANOSMIA, SUSCEPTIBILITY TO; HYPOGONADOTROPIC HYPOGONADISM 2 WITHOUT ANOSMIA, SUSCEPTIBILITY TO; FGFR1-Related GnRH Deficiency (Kallmann Syndrome 2); HYPOGONADOTROPIC HYPOGONADISM 2 WITHOUT ANOSMIA. Identifiers: Orphanet 478, MedGen C1563720, MONDO:0007844, OMIM 147950. Disease mechanism: loss of function.
Pfeiffer syndrome (ACS5). Also called: ACS V. Identifiers: Orphanet 710, MedGen C0220658, MONDO:0007043, OMIM 101600.

Submission:

Labcorp Genetics (formerly Invitae), Labcorp
Classification: Pathogenic for Pfeiffer syndrome; Hypogonadotropic hypogonadism 2 with or without anosmia. Last evaluated: 2022-10-20. Review status: criteria provided, single submitter. Criteria: Invitae Variant Classification Sherloc (09022015). Collection method: clinical testing. Allele origin: germline.
Comment: Advanced modeling of protein sequence and biophysical properties (such as structural, functional, and spatial information, amino acid conservation, physicochemical variation, residue mobility, and thermodynamic stability) performed at Invitae indicates that this missense variant is expected to disrupt FGFR1 protein function. This variant disrupts the p.Asn628 amino acid residue in FGFR1. Other variant(s) that disrupt this residue have been observed in individuals with FGFR1-related conditions (PMID: 23812909), which suggests that this may be a clinically significant amino acid residue. For these reasons, this variant has been classified as Pathogenic. This missense change has been observed in individual(s) with autosomal dominant Hartsfield syndrome (PMID: 27170295). In at least one individual the variant was observed to be de novo. This variant is not present in population databases (gnomAD no frequency). This sequence change replaces asparagine, which is neutral and polar, with serine, which is neutral and polar, at codon 628 of the FGFR1 protein (p.Asn628Ser).

Literature cited by the submitters: PubMed 23812909; PubMed 27170295.